The following is an entry in ClinVar:

ClinVar aggregate classification (germline): Benign/Likely benign. Review status: criteria provided, multiple submitters, no conflicts (2 of 4 stars). 2 submissions from 2 submitters: Benign (1); Likely benign (1). Last evaluated 2026-09-22.

Conditions:
Colorectal cancer, hereditary nonpolyposis, type 7. Identifiers: Orphanet 144, MedGen C1858380, MONDO:0013725, OMIM 614385.

Allele frequency attached by ClinVar (database versions not stated): gnomAD exomes below 0.00001.

Submissions (2):

Myriad Genetics, Inc.
Classification: Benign for Colorectal cancer, hereditary nonpolyposis, type 7. Last evaluated: 2026-09-22. Review status: criteria provided, single submitter. Criteria: Myriad Autosomal Dominant, Autosomal Recessive and X-Linked Classification Criteria (2023). Collection method: clinical testing. Allele origin: unknown.
Comment: This variant is considered benign. This variant is a silent/synonymous amino acid change and it is not expected to impact splicing.

Ambry Genetics
Classification: Likely benign. Last evaluated: 2019-08-30. Review status: criteria provided, single submitter. Criteria: Ambry Variant Classification Scheme 2023. Collection method: clinical testing. Allele origin: germline.

NM_001040108.2(MLH3):c.792A>G (p.Leu264=)

Gene: MLH3 (mutL homolog 3; minus strand). Cytogenetic location: 14q24.3.
Variant type: single nucleotide variant.
Coding change: c.792A>G on transcript NM_001040108.2 (MANE Select); coding-DNA position 792, A replaced by G.
Protein change: p.Leu264=; no amino-acid change (leucine 264 retained).
Molecular consequence: synonymous variant.
Genome position (GRCh38, 1-based): chr14:75,048,864, T>C on the plus strand (A>G on the coding strand, the complement: MLH3 is on the minus strand). VCF-style: chr14-75048864-T-C. GRCh37 (hg19) VCF-style: chr14-75515567-T-C.
Other names: c.792A>G, p.Leu264= (NM_014381.3).
Identifiers: ClinVar variation 1761258 (VCV001761258.3), dbSNP rs2139599227, ClinGen allele CA487274138.